The following is an entry in ClinVar:

NM_002148.4(HOXD10):c.684G>C (p.Glu228Asp)

Gene: HOXD10 (homeobox D10; plus strand). Cytogenetic location: 2q31.1.
Variant type: single nucleotide variant.
Coding change: c.684G>C on transcript NM_002148.4 (MANE Select); coding-DNA position 684, G replaced by C.
Protein change: p.Glu228Asp; replaces glutamic acid 228 with aspartic acid.
Molecular consequence: missense variant.
Genome position (GRCh38, 1-based): chr2:176,117,517, G>C. VCF-style: chr2-176117517-G-C. GRCh37 (hg19) VCF-style: chr2-176982245-G-C.
Other names: short protein forms E228D.
Identifiers: ClinVar variation 930511 (VCV000930511.3), dbSNP rs1378675941, ClinGen allele CA349368775.
Genomic context (GRCh38, chr2:176,117,517, plus strand): 5'-GGAGCCCACCAAAGTCTCCCAGGTGGAGAGCCCCGAGGCCAAAGGCGGCCTTCCCGAAGA[G>C]AGGAGCTGCCTGGCTGAGGTCTCCGTGTCCAGTCCCGAAGTGCAGGAGAAGGAAAGCAAA-3'
Protein context (NP_002139.2, residues 218-238): SPEAKGGLPE[Glu228Asp]RSCLAEVSVS

ClinVar aggregate classification (germline): Uncertain significance (1 of 4 stars; one submission).

Conditions:
Congenital vertical talus. Also called: PES VALGUS, CONGENITAL CONVEX; Rocker-bottom foot deformity. Identifiers: Orphanet 178382, MedGen C0240912, MONDO:0008652, OMIM 192950, HP:0001838.

Allele frequency attached by ClinVar (database versions not stated): TOPMed 0.00001.

Submission:

Centre for Mendelian Genomics, University Medical Centre Ljubljana
Classification: Uncertain significance for Congenital vertical talus. Last evaluated: 2019-08-17. Review status: criteria provided, single submitter. Criteria: ACMG Guidelines, 2015. Collection method: clinical testing. Allele origin: unknown. Affected: yes.
Comment: This variant was classified as: Uncertain significance. The available evidence on this variant's pathogenicity is insufficient or conflicting. The following ACMG criteria were applied in classifying this variant: PM2.